The following is an entry in ClinVar:

NM_002267.4(KPNA3):c.1049T>C (p.Leu350Pro)

Gene: KPNA3 (karyopherin subunit alpha 3; minus strand). Cytogenetic location: 13q14.2.
Variant type: single nucleotide variant.
Coding change: c.1049T>C on transcript NM_002267.4 (MANE Select); coding-DNA position 1049, T replaced by C.
Protein change: p.Leu350Pro; replaces leucine 350 with proline.
Molecular consequence: missense variant.
Genome position (GRCh38, 1-based): chr13:49,706,356, A>G on the plus strand (T>C on the coding strand, the complement: KPNA3 is on the minus strand). VCF-style: chr13-49706356-A-G. GRCh37 (hg19) VCF-style: chr13-50280492-A-G.
Other names: short protein forms L350P.
Identifiers: ClinVar variation 1713274 (VCV001713274.2), dbSNP rs2541632753, ClinGen allele CA388201171.

ClinVar aggregate classification (germline): Pathogenic. Review status: criteria provided, single submitter (1 of 4 stars). 2 submissions from 2 submitters: Pathogenic (1). 1 of the submissions does not count toward it. Last evaluated 2025-07-11.

Conditions:
Spastic paraplegia 88, autosomal dominant. Identifiers: MedGen C5774247, MONDO:0859309, OMIM 620106.

Submissions (2):

3billion
Classification: Pathogenic for Spastic paraplegia 88, autosomal dominant. Last evaluated: 2025-07-11. Review status: criteria provided, single submitter. Criteria: ACMG Guidelines, 2015. Collection method: clinical testing. Allele origin: germline. Affected: yes.
Comment: The variant is not observed in the gnomAD v4.1.0 dataset. Predicted Consequence/Location: Missense variant. Missense changes are a common disease-causing mechanism. Functional studies provide moderate evidence of the variant having a damaging effect on the gene or gene product (PMID: 34564892). In silico tool predictions suggest damaging effect of the variant on gene or gene product [REVEL: 0.92 (>=0.6, sensitivity 0.68 and specificity 0.92)]. The same nucleotide change resulting in the same amino acid change has been previously reported to be associated with KPNA3-related disorder (ClinVar ID: VCV001713274 /PMID: 34564892).The variant has been previously reported as de novo in a similarly affected individual (PMID: 34564892). Therefore, this variant is classified as Pathogenic according to the recommendation of ACMG/AMP guideline.

OMIM
Classification: Pathogenic for SPASTIC PARAPLEGIA 88, AUTOSOMAL DOMINANT. Last evaluated: 2022-11-02. Review status: no assertion criteria provided. Collection method: literature only. Allele origin: germline. Not counted in ClinVar's aggregate classification.

Literature cited by the submitters: PubMed 34564892 (cited by 3billion and OMIM).